The following is an entry in ClinVar:

ClinVar aggregate classification (germline): Conflicting classifications of pathogenicity. Review status: criteria provided, conflicting classifications (1 of 4 stars). 7 submissions from 6 submitters: Likely pathogenic (1); Uncertain significance (6). Last evaluated 2025-11-24.

Conditions:
Retinitis pigmentosa 87 with choroidal involvement. Identifiers: MedGen C5231465, MONDO:0032873, OMIM 618697.
Retinitis pigmentosa 20 (RP20). Identifiers: Orphanet 791, MedGen C3151086, MONDO:0013425, OMIM 613794.
Leber congenital amaurosis 2 (LCA2). Also called: AMAUROSIS CONGENITA OF LEBER II; Autosomal Recessive RPE65-Related Retinal Degeneration. Identifiers: Orphanet 65, MedGen C1859844, MONDO:0008765, OMIM 204100. Disease mechanism: loss of function.
Retinal dystrophy. Also called: Inherited retinal dystrophy. Identifiers: Orphanet 71862, MedGen C0854723, MeSH D058499, MONDO:0019118, HP:0000556.
Retinitis pigmentosa (RP). Identifiers: Orphanet 791, MedGen C0035334, MeSH D012174, MONDO:0019200, OMIM 268000. Inheritance: Autosomal dominant, autosomal recessive and X linked inheritance.

Allele frequency attached by ClinVar (database versions not stated): gnomAD 0.00004; gnomAD exomes 0.00004 and 0.00008; TOPMed 0.00011; ExAC 0.00012.
gnomAD v4.1: 72 of 1,613,814 alleles (0.0045%); highest among the groups gnomAD compares: Admixed American, 0.035%; no homozygotes.

Submissions (7):

Labcorp Genetics (formerly Invitae), Labcorp
Classification: Uncertain significance for Leber congenital amaurosis 2; Retinitis pigmentosa 20. Last evaluated: 2025-11-24. Review status: criteria provided, single submitter. Criteria: Invitae Variant Classification Sherloc (09022015). Collection method: clinical testing. Allele origin: germline.
Comment: This sequence change replaces arginine, which is basic and polar, with cysteine, which is neutral and slightly polar, at codon 85 of the RPE65 protein (p.Arg85Cys). This variant is present in population databases (rs763317722, gnomAD 0.05%). This missense change has been observed in individual(s) with Leber congenital amaurosis and/or retinitis pigmentosa (PMID: 20683928, 33576794). ClinVar contains an entry for this variant (Variation ID: 875220). Invitae Evidence Modeling of protein sequence and biophysical properties (such as structural, functional, and spatial information, amino acid conservation, physicochemical variation, residue mobility, and thermodynamic stability) indicates that this missense variant is not expected to disrupt RPE65 protein function with a negative predictive value of 80%. In summary, the available evidence is currently insufficient to determine the role of this variant in disease. Therefore, it has been classified as a Variant of Uncertain Significance.

Blueprint Genetics
Classification: Uncertain significance. Last evaluated: 2024-10-11. Review status: criteria provided, single submitter. Criteria: ACMG Guidelines, 2015. Collection method: clinical testing. Allele origin: germline.

Fulgent Genetics
Classification: Uncertain significance for Leber congenital amaurosis 2; Retinitis pigmentosa 20; Retinitis pigmentosa 87 with choroidal involvement. Last evaluated: 2021-12-21. Review status: criteria provided, single submitter. Criteria: ACMG Guidelines, 2015. Collection method: clinical testing. Allele origin: unknown.

Institute of Human Genetics, Univ. Regensburg, Univ. Regensburg
Classification: Uncertain significance for Retinal dystrophy. Last evaluated: 2020-01-01. Review status: criteria provided, single submitter. Criteria: ACMG Guidelines, 2015. Collection method: clinical testing. Allele origin: germline. Affected: yes.

Illumina Laboratory Services, Illumina
Classification: Uncertain significance for Leber congenital amaurosis 2. Last evaluated: 2017-04-28. Review status: criteria provided, single submitter. Criteria: ICSL Variant Classification Criteria 13 December 2019. Collection method: clinical testing. Allele origin: germline.
Comment: This variant was observed as part of a predisposition screen in an ostensibly healthy population. A literature search was performed for the gene, cDNA change, and amino acid change (where applicable). Publications were found based on this search. However, the evidence from the literature, in combination with allele frequency data from public databases where available, was not sufficient to rule this variant in or out of causing disease. Therefore, this variant is classified as a variant of unknown significance.

Illumina Laboratory Services, Illumina
Classification: Uncertain significance for Retinitis pigmentosa. Last evaluated: 2017-04-28. Review status: criteria provided, single submitter. Criteria: ICSL Variant Classification Criteria 13 December 2019. Collection method: clinical testing. Allele origin: germline.

Kariminejad - Najmabadi Pathology & Genetics Center
Classification: Likely pathogenic for Leber congenital amaurosis 2. Review status: criteria provided, single submitter. Criteria: ACMG Guidelines, 2015. Collection method: clinical testing. Allele origin: germline. Affected: no.

Literature cited by the submitters: PubMed 20683928 (cited by Labcorp Genetics (formerly Invitae), Labcorp and Illumina Laboratory Services, Illumina); PubMed 33576794 (cited by Labcorp Genetics (formerly Invitae), Labcorp and Institute of Human Genetics, Univ. Regensburg, Univ. Regensburg).

NM_000329.3(RPE65):c.253C>T (p.Arg85Cys)

Gene: RPE65 (retinoid isomerohydrolase RPE65; minus strand). Cytogenetic location: 1p31.3.
Variant type: single nucleotide variant.
Coding change: c.253C>T on transcript NM_000329.3 (MANE Select); coding-DNA position 253, C replaced by T.
Protein change: p.Arg85Cys; replaces arginine 85 with cysteine.
Molecular consequence: missense variant.
Genome position (GRCh38, 1-based): chr1:68,444,876, G>A on the plus strand (C>T on the coding strand, the complement: RPE65 is on the minus strand). VCF-style: chr1-68444876-G-A. GRCh37 (hg19) VCF-style: chr1-68910559-G-A.
Other names: short protein forms R85C.
Identifiers: ClinVar variation 875220 (VCV000875220.12), dbSNP rs763317722, ClinGen allele CA902559.
Genomic context (GRCh38, chr1:68,444,876, plus strand): 5'-TGCCAAATTCTGTTATGACGATCCTTTTCTCAGTCATTGCCCGTACGTAAGCATCAGTGC[G>A]GATGAACCTGAAGGACATTGAAACATAGGGAAGAGTATAGACAGGAGCAATCCGTACAGC-3'
Protein context (NP_000320.1, residues 75-95): GHVTYHRRFI[Arg85Cys]TDAYVRAMTE